The following is an entry in ClinVar:

NM_001267550.2(TTN):c.46895_46898del (p.Lys15632fs)

Genes: TTN-AS1 (TTN antisense RNA 1; plus strand), TTN (titin; minus strand). Cytogenetic location: 2q31.2.
Variant type: Deletion.
Coding change: c.46895_46898del on transcript NM_001267550.2 (MANE Select); coding-DNA positions 46895 to 46898, 4 bases deleted (AAGG; older notation c.46895_46898delAAGG).
Protein change: p.Lys15632fs; shifts the reading frame from lysine 15632.
Molecular consequence: frameshift variant.
Genome position (GRCh38, 1-based): chr2:178,618,652-178,618,655, CCTT deleted on the plus strand (AAGG on the coding strand, the reverse complement: TTN is on the minus strand). VCF-style (leftmost placement, unchanged base first): chr2-178618651-CCCTT-C. GRCh37 (hg19) VCF-style: chr2-179483378-CCCTT-C.
Other names: c.46895_46898delAAGG (NM_001267550.2); c.41972_41975del, p.Lys13991fs (NM_001256850.1); c.19700_19703del, p.Lys6567fs (NM_003319.4); c.39191_39194del, p.Lys13064fs (NM_133378.4); c.20075_20078del, p.Lys6692fs (NM_133432.3); c.20276_20279del, p.Lys6759fs (NM_133437.4); short protein forms K13991fs, K13064fs, K6692fs, K15632fs, K6567fs, K6759fs.
Identifiers: ClinVar variation 467184 (VCV000467184.9), dbSNP rs1553712148, ClinGen allele CA658657156.

ClinVar aggregate classification (germline): Likely pathogenic (1 of 4 stars; one submission).

Conditions:
Autosomal recessive limb-girdle muscular dystrophy type 2J (LGMDR10). Also called: Limb-girdle muscular dystrophy, type 2J; MUSCULAR DYSTROPHY, LIMB-GIRDLE, AUTOSOMAL RECESSIVE 10. Identifiers: Orphanet 140922, MedGen C1837342, MONDO:0012127, OMIM 608807.
Dilated cardiomyopathy 1G (CMD1G). Identifiers: Orphanet 154, MedGen C1858763, MONDO:0011400, OMIM 604145.

Submission:

Labcorp Genetics (formerly Invitae), Labcorp
Classification: Likely pathogenic for Dilated cardiomyopathy 1G; Autosomal recessive limb-girdle muscular dystrophy type 2J. Last evaluated: 2024-10-18. Review status: criteria provided, single submitter. Criteria: Invitae Variant Classification Sherloc (09022015). Collection method: clinical testing. Allele origin: germline.
Comment: This sequence change creates a premature translational stop signal (p.Lys15632Argfs*20) in the TTN gene. While this is not anticipated to result in nonsense mediated decay, it is expected to create a truncated TTN protein. This variant is not present in population databases (gnomAD no frequency). This variant has not been reported in the literature in individuals affected with TTN-related conditions. ClinVar contains an entry for this variant (Variation ID: 467184). This variant is located in the I band of TTN (PMID: 25589632). Truncating variants in this region have been reported in individuals affected with autosomal recessive centronuclear myopathy (PMID: 23975875, internal data). Truncating variants in this region have also been identified in individuals affected with autosomal dominant dilated cardiomyopathy and/or cardio-related conditions (PMID: 27869827, 32964742, internal data). In summary, the currently available evidence indicates that the variant is pathogenic, but additional data are needed to prove that conclusively. Therefore, this variant has been classified as Likely Pathogenic.

Literature cited by the submitters: PubMed 25589632; PubMed 23975875; PubMed 27869827; PubMed 32964742.